The following is an entry in ClinVar:

ClinVar aggregate classification (germline): Pathogenic/Likely pathogenic. Review status: criteria provided, multiple submitters, no conflicts (2 of 4 stars). 4 submissions from 4 submitters: Pathogenic (2); Likely pathogenic (2). Last evaluated 2024-07-05.

Conditions:
Osteogenesis imperfecta with normal sclerae, dominant form (OI4). Also called: OSTEOGENESIS IMPERFECTA WITH NORMAL SCLERAE; Osteogenesis Imperfecta Type IV; OSTEOGENESIS IMPERFECTA, TYPE IV, WITH DENTINOGENESIS IMPERFECTA; Common Variable Osteogenesis Imperfecta with Normal Sclerae; Osteogenesis imperfecta type 4. Identifiers: Orphanet 216820, Orphanet 666, MedGen C0268363, MONDO:0008148, OMIM 166220.
Osteogenesis imperfecta type I (OI1). Also called: OI, TYPE I; OSTEOGENESIS IMPERFECTA TARDA; OSTEOGENESIS IMPERFECTA WITH BLUE SCLERAE; Lobstein's Disease; Classic Non-deforming Osteogenesis Imperfecta with Blue Sclerae; Lobstein disease. Identifiers: Orphanet 216796, Orphanet 666, MedGen C0023931, MONDO:0008146, OMIM 166200. Disease mechanism: loss of function.
Ehlers-Danlos syndrome, classic type, 1 (EDSCL1). Also called: Ehlers-Danlos Syndrome, Classic Type, COL5A1-Related; EDS I; Ehlers-Danlos syndrome, type 1; EHLERS-DANLOS SYNDROME, GRAVIS TYPE; EHLERS-DANLOS SYNDROME, SEVERE CLASSIC TYPE. Identifiers: MedGen C0268335, MONDO:0019567, OMIM 130000.

Submissions (4):

Institute of Human Genetics, Cologne University
Classification: Likely pathogenic for Osteogenesis imperfecta with normal sclerae, dominant form. Last evaluated: 2024-07-05. Review status: criteria provided, single submitter. Criteria: ACMG Guidelines, 2015. Collection method: clinical testing. Allele origin: germline. Affected: yes.

Labcorp Genetics (formerly Invitae), Labcorp
Classification: Pathogenic for Osteogenesis imperfecta type I; Ehlers-Danlos syndrome, classic type, 1. Last evaluated: 2024-05-06. Review status: criteria provided, single submitter. Criteria: Invitae Variant Classification Sherloc (09022015). Collection method: clinical testing. Allele origin: germline.
Comment: This sequence change replaces glycine, which is neutral and non-polar, with serine, which is neutral and polar, at codon 997 of the COL1A2 protein (p.Gly997Ser). This variant is not present in population databases (gnomAD no frequency). This missense change has been observed in individual(s) with autosomal dominant osteogenesis imperfecta (PMID: 29499418). ClinVar contains an entry for this variant (Variation ID: 618024). Advanced modeling of protein sequence and biophysical properties (such as structural, functional, and spatial information, amino acid conservation, physicochemical variation, residue mobility, and thermodynamic stability) performed at Invitae indicates that this missense variant is expected to disrupt COL1A2 protein function with a positive predictive value of 95%. This variant disrupts the triple helix domain of COL1A2. Glycine residues within the Gly-Xaa-Yaa repeats of the triple helix domain are required for the structure and stability of fibrillar collagens (PMID: 7695699, 8218237, 19344236). In COL1A2, variants affecting these glycine residues are significantly enriched in individuals with disease (PMID: 9016532, 17078022) compared to the general population (ExAC). For these reasons, this variant has been classified as Pathogenic.

GeneDx
Classification: Pathogenic. Last evaluated: 2019-02-12. Review status: criteria provided, single submitter. Criteria: GeneDx Variant Classification Process June 2021. Collection method: clinical testing. Allele origin: germline. Affected: yes.
Comment: Occurs in the triple helical domain and replaces the Glycine in the canonical Gly-X-Y repeat, which is expected to disrupt normal protein folding and function, and this is an established mechanism of disease; Not observed in large population cohorts (Lek et al., 2016); In silico analysis, which includes protein predictors and evolutionary conservation, supports a deleterious effect; This variant is associated with the following publications: (PMID: 29499418)

ARUP Laboratories, Molecular Genetics and Genomics, ARUP Laboratories
Classification: Likely pathogenic. Last evaluated: 2017-11-01. Review status: criteria provided, single submitter. Criteria: ARUP Molecular Germline Variant Investigation Process. Collection method: clinical testing. Allele origin: germline.

Literature cited by the submitters: PubMed 29499418 (cited by Labcorp Genetics (formerly Invitae), Labcorp); PubMed 7695699 (cited by Labcorp Genetics (formerly Invitae), Labcorp); PubMed 8218237 (cited by Labcorp Genetics (formerly Invitae), Labcorp); PubMed 19344236 (cited by Labcorp Genetics (formerly Invitae), Labcorp); PubMed 9016532 (cited by Labcorp Genetics (formerly Invitae), Labcorp); PubMed 17078022 (cited by Labcorp Genetics (formerly Invitae), Labcorp).

NM_000089.4(COL1A2):c.2989G>A (p.Gly997Ser)

Gene: COL1A2 (collagen type I alpha 2 chain; plus strand). Cytogenetic location: 7q21.3.
Variant type: single nucleotide variant.
Coding change: c.2989G>A on transcript NM_000089.4 (MANE Select); coding-DNA position 2989, G replaced by A.
Protein change: p.Gly997Ser; replaces glycine 997 with serine.
Molecular consequence: missense variant.
Genome position (GRCh38, 1-based): chr7:94,426,043, G>A. VCF-style: chr7-94426043-G-A. GRCh37 (hg19) VCF-style: chr7-94055355-G-A.
Other names: short protein forms G997S.
Identifiers: ClinVar variation 618024 (VCV000618024.13), dbSNP rs1562907287, ClinGen allele CA368225029.